The following is an entry in ClinVar:

NM_001458.5(FLNC):c.6998-5C>T

Genes: FLNC (filamin C; plus strand), FLNC-AS1 (FLNC antisense RNA 1; minus strand). Cytogenetic location: 7q32.1.
Variant type: single nucleotide variant.
Coding change: c.6998-5C>T on transcript NM_001458.5 (MANE Select); 5 bases into the intron before coding-DNA position 6998, C replaced by T.
Molecular consequence: intron variant.
Genome position (GRCh38, 1-based): chr7:128,854,770, C>T. VCF-style: chr7-128854770-C-T. GRCh37 (hg19) VCF-style: chr7-128494824-C-T.
Other names: p.?; c.6899-5C>T (NM_001127487.2).
Identifiers: ClinVar variation 197462 (VCV000197462.46), dbSNP rs139030003, ClinGen allele CA245627.

ClinVar aggregate classification (germline): Conflicting classifications of pathogenicity. Review status: criteria provided, conflicting classifications (1 of 4 stars). 13 submissions from 13 submitters: Uncertain significance (1); Benign (4); Likely benign (6). 2 of the submissions do not count toward it. Last evaluated 2026-02-02.

Conditions:
FLNC-related disorder. Also called: FLNC-related disorders; FLNC-related condition.
Distal myopathy with posterior leg and anterior hand involvement. Also called: WILLIAMS DISTAL MYOPATHY. Identifiers: Orphanet 63273, MedGen C3279722, MONDO:0013550, OMIM 614065.
Myofibrillar myopathy 5. Also called: Filaminopathy (type); FILAMINOPATHY, AUTOSOMAL DOMINANT. Identifiers: Orphanet 171445, MedGen C1836050, MONDO:0012289, OMIM 609524.
Hypertrophic cardiomyopathy 26. Also called: Cardiomyopathy, familial hypertrophic, 26. Identifiers: Orphanet 75249, MedGen C4310749, MONDO:0014883, OMIM 617047.
Cardiovascular phenotype. Identifiers: MedGen CN230736.

Allele frequency attached by ClinVar (database versions not stated): gnomAD exomes 0.00011 and 0.00030; ExAC 0.00037; gnomAD 0.00102 and 0.00106; TOPMed 0.00129; ESP Exome Variant Server 0.00133; 1000 Genomes Project 0.00200; 1000 Genomes Project 30x 0.00250.
gnomAD v4.1: 316 of 1,614,078 alleles (0.02%); highest among the groups gnomAD compares: African/African-American, 0.38%; no homozygotes.

Submissions (13):

Labcorp Genetics (formerly Invitae), Labcorp
Classification: Benign for Distal myopathy with posterior leg and anterior hand involvement; Myofibrillar myopathy 5; Hypertrophic cardiomyopathy 26. Last evaluated: 2026-02-02. Review status: criteria provided, single submitter. Criteria: Invitae Variant Classification Sherloc (09022015). Collection method: clinical testing. Allele origin: germline.

Mayo Clinic Laboratories, Mayo Clinic
Classification: Likely benign. Last evaluated: 2025-10-18. Review status: criteria provided, single submitter. Criteria: ACMG Guidelines, 2015. Collection method: clinical testing. Allele origin: germline. Observed: 2 variant alleles.

ARUP Laboratories, Molecular Genetics and Genomics, ARUP Laboratories
Classification: Likely benign. Last evaluated: 2025-05-14. Review status: criteria provided, single submitter. Criteria: ARUP Molecular Germline Variant Investigation Process 2024. Collection method: clinical testing. Allele origin: germline.

Molecular Diagnostic Laboratory for Inherited Cardiovascular Disease, Montreal Heart Institute
Classification: Likely benign. Last evaluated: 2025-04-09. Review status: criteria provided, single submitter. Criteria: ACMG Guidelines, 2015. Collection method: clinical testing. Allele origin: germline. Affected: no.

PreventionGenetics, part of Exact Sciences
Classification: Likely benign for FLNC-related condition. Last evaluated: 2025-01-17. Review status: criteria provided, single submitter. Criteria: ACMG Guidelines, 2015. Collection method: clinical testing. Allele origin: germline.
Comment: This variant is classified as likely benign based on ACMG/AMP sequence variant interpretation guidelines (Richards et al. 2015 PMID: 25741868, with internal and published modifications).

Blueprint Genetics
Classification: Likely benign. Last evaluated: 2024-10-16. Review status: criteria provided, single submitter. Criteria: ACMG Guidelines, 2015. Collection method: clinical testing. Allele origin: germline.

CeGaT Center for Human Genetics Tuebingen
Classification: Benign. Last evaluated: 2024-07-01. Review status: criteria provided, single submitter. Criteria: CeGaT Center For Human Genetics Tuebingen Variant Classification Criteria Version 2. Collection method: clinical testing. Allele origin: germline. Affected: yes. Observed: 1 variant allele.
Comment: FLNC: BP4, BS1, BS2

Women's Health and Genetics/Laboratory Corporation of America, LabCorp
Classification: Benign. Last evaluated: 2023-08-19. Review status: criteria provided, single submitter. Criteria: LabCorp Variant Classification Summary - May 2015. Collection method: clinical testing. Allele origin: germline.

GeneDx
Classification: Benign. Last evaluated: 2020-04-03. Review status: criteria provided, single submitter. Criteria: GeneDx Variant Classification Process June 2021. Collection method: clinical testing. Allele origin: germline. Affected: yes.

Ambry Genetics
Classification: Likely benign for Cardiovascular phenotype. Last evaluated: 2019-03-20. Review status: criteria provided, single submitter. Criteria: Ambry Variant Classification Scheme 2023. Collection method: clinical testing. Allele origin: germline.

Eurofins Ntd Llc (ga)
Classification: Uncertain significance. Last evaluated: 2014-12-16. Review status: criteria provided, single submitter. Criteria: EGL Classification Definitions 2015. Collection method: clinical testing. Allele origin: germline. Observed: 1 variant allele, 1 heterozygote.

Clinical Genetics DNA and cytogenetics Diagnostics Lab, Erasmus MC, Erasmus Medical Center
Classification: Likely benign. Review status: no assertion criteria provided. Collection method: clinical testing. Allele origin: germline. Affected: yes. Study: VKGL Data-share Consensus. Not counted in ClinVar's aggregate classification.

Clinical Genetics, Academic Medical Center
Classification: Benign. Review status: no assertion criteria provided. Collection method: clinical testing. Allele origin: germline. Affected: yes. Study: VKGL Data-share Consensus. Not counted in ClinVar's aggregate classification.